The following is an entry in ClinVar:

NM_004370.6(COL12A1):c.7111G>C (p.Glu2371Gln)

Genes: COL12A1 (collagen type XII alpha 1 chain; minus strand), LOC126859712 (MED14-independent group 3 enhancer GRCh37_chr6:75828643-75829842; plus strand). Cytogenetic location: 6q13.
Variant type: single nucleotide variant.
Coding change: c.7111G>C on transcript NM_004370.6 (MANE Select); coding-DNA position 7111, G replaced by C.
Protein change: p.Glu2371Gln; replaces glutamic acid 2371 with glutamine.
Molecular consequence: missense variant.
Genome position (GRCh38, 1-based): chr6:75,119,449, C>G on the plus strand (G>C on the coding strand, the complement: COL12A1 is on the minus strand). VCF-style: chr6-75119449-C-G. GRCh37 (hg19) VCF-style: chr6-75829165-C-G.
Other names: c.7111G>C, p.Glu2371Gln (NM_001424113.1); c.7090G>C, p.Glu2364Gln (NM_001424114.1); c.6838G>C, p.Glu2280Gln (NM_001424115.1); c.3619G>C, p.Glu1207Gln (NM_001424116.1, NM_080645.3); short protein forms E1207Q, E2280Q, E2364Q, E2371Q.
Identifiers: ClinVar variation 3757207 (VCV003757207.2).

ClinVar aggregate classification (germline): Uncertain significance (1 of 4 stars; one submission).

Conditions:
Ullrich congenital muscular dystrophy 2 (UCMD2). Identifiers: Orphanet 75840, MedGen C4225314, MONDO:0014654, OMIM 616470.
Bethlem myopathy 2 (BTHLM2). Identifiers: Orphanet 536516, Orphanet 610, MedGen C4225313, MONDO:0034022, OMIM 616471.

Submission:

Labcorp Genetics (formerly Invitae), Labcorp
Classification: Uncertain significance for Bethlem myopathy 2; Ullrich congenital muscular dystrophy 2. Last evaluated: 2024-07-10. Review status: criteria provided, single submitter. Criteria: Invitae Variant Classification Sherloc (09022015). Collection method: clinical testing. Allele origin: germline.
Comment: This sequence change replaces glutamic acid, which is acidic and polar, with glutamine, which is neutral and polar, at codon 2371 of the COL12A1 protein (p.Glu2371Gln). This variant is not present in population databases (gnomAD no frequency). This variant has not been reported in the literature in individuals affected with COL12A1-related conditions. Advanced modeling of protein sequence and biophysical properties (such as structural, functional, and spatial information, amino acid conservation, physicochemical variation, residue mobility, and thermodynamic stability) performed at Invitae indicates that this missense variant is not expected to disrupt COL12A1 protein function with a negative predictive value of 80%. In summary, the available evidence is currently insufficient to determine the role of this variant in disease. Therefore, it has been classified as a Variant of Uncertain Significance.